The following is an entry in ClinVar:

ClinVar aggregate classification (germline): Uncertain significance (1 of 4 stars; one submission).

Conditions:
Neurodevelopmental disorder with or without hyperkinetic movements and seizures, autosomal dominant. Also called: Intellectual disability, autosomal dominant 8. Identifiers: MedGen C3280282, MONDO:0013655, OMIM 614254.

Submission:

Labcorp Genetics (formerly Invitae), Labcorp
Classification: Uncertain significance for Neurodevelopmental disorder with or without hyperkinetic movements and seizures, autosomal dominant. Last evaluated: 2024-10-12. Review status: criteria provided, single submitter. Criteria: Invitae Variant Classification Sherloc (09022015). Collection method: clinical testing. Allele origin: germline.
Comment: This sequence change results in a frameshift in the GRIN1 gene (p.Lys846Serfs*209). While this is not anticipated to result in nonsense mediated decay, it is expected to disrupt the last 93 amino acid(s) of the GRIN1 protein and extend the protein by 115 additional amino acid residues. This variant is not present in population databases (gnomAD no frequency). This variant has not been reported in the literature in individuals affected with GRIN1-related conditions. Experimental studies and prediction algorithms are not available or were not evaluated, and the functional significance of this variant is currently unknown. In summary, the available evidence is currently insufficient to determine the role of this variant in disease. Therefore, it has been classified as a Variant of Uncertain Significance.

NM_007327.4(GRIN1):c.2537del (p.Lys846fs)

Gene: GRIN1 (glutamate ionotropic receptor NMDA type subunit 1; plus strand). Cytogenetic location: 9q34.3.
Variant type: Deletion.
Coding change: c.2537del on transcript NM_007327.4 (MANE Select); coding-DNA position 2537, one base deleted (A; older notation c.2537delA).
Protein change: p.Lys846fs; shifts the reading frame from lysine 846.
Molecular consequence: frameshift variant.
Genome position (GRCh38, 1-based): chr9:137,163,852, A deleted; the last of 2 consecutive A bases (chr9:137,163,851-137,163,852); deleting either gives the same sequence. VCF-style (leftmost placement, unchanged base first): chr9-137163850-GA-G. GRCh37 (hg19) VCF-style: chr9-140058302-GA-G.
Other names: c.2537del, p.Lys846fs (NM_000832.7, NM_021569.4); c.2600del, p.Lys867fs (NM_001185090.2, NM_001185091.2); short protein forms K846fs, K867fs.
Identifiers: ClinVar variation 3663021 (VCV003663021.2).